The following is an entry in ClinVar:

ClinVar aggregate classification (germline): Likely benign (0 of 4 stars; one submission).

Conditions:
SEMA3F-related disorder. Also called: SEMA3F-related condition.

Allele frequency attached by ClinVar (database versions not stated): 1000 Genomes Project 30x 0.00062; ESP Exome Variant Server 0.00062; TOPMed 0.00070; 1000 Genomes Project 0.00080.
gnomAD v4.1: 1,662 of 1,612,156 alleles (0.1%); highest among the groups gnomAD compares: Non-Finnish European, 0.13%; 2 homozygotes.

Submission:

PreventionGenetics, part of Exact Sciences
Classification: Likely benign for SEMA3F-related condition. Last evaluated: 2021-05-19. Review status: no assertion criteria provided. Collection method: clinical testing. Allele origin: germline.
Comment: This variant is classified as likely benign based on ACMG/AMP sequence variant interpretation guidelines (Richards et al. 2015 PMID: 25741868, with internal and published modifications).

NM_004186.5(SEMA3F):c.441C>T (p.Arg147=)

Gene: SEMA3F (semaphorin 3F; plus strand). Cytogenetic location: 3p21.31.
Variant type: single nucleotide variant.
Coding change: c.441C>T on transcript NM_004186.5 (MANE Select); coding-DNA position 441, C replaced by T.
Protein change: p.Arg147=; no amino-acid change (arginine 147 retained).
Molecular consequence: synonymous variant.
Genome position (GRCh38, 1-based): chr3:50,174,335, C>T. VCF-style: chr3-50174335-C-T. GRCh37 (hg19) VCF-style: chr3-50211768-C-T.
Other names: c.237C>T, p.Arg79= (NM_001318798.2); c.441C>T, p.Arg147= (NM_001318800.2).
Identifiers: ClinVar variation 3045255 (VCV003045255.2), dbSNP rs146091236, ClinGen allele CA2411755.